The following is an entry in ClinVar:

NM_001122630.2(CDKN1C):c.329C>T (p.Pro110Leu)

Gene: CDKN1C (cyclin dependent kinase inhibitor 1C; minus strand). Cytogenetic location: 11p15.4.
Variant type: single nucleotide variant.
Coding change: c.329C>T on transcript NM_001122630.2 (MANE Select); coding-DNA position 329, C replaced by T.
Protein change: p.Pro110Leu; replaces proline 110 with leucine.
Molecular consequence: missense variant. On other transcripts: intron variant (1).
Genome position (GRCh38, 1-based): chr11:2,885,128, G>A on the plus strand (C>T on the coding strand, the complement: CDKN1C is on the minus strand). VCF-style: chr11-2885128-G-A. GRCh37 (hg19) VCF-style: chr11-2906358-G-A.
Other names: c.362C>T, p.Pro121Leu (NM_000076.2, NM_001362474.2); c.329C>T, p.Pro110Leu (NM_001122631.2); c.255+74C>T (NM_001362475.2); short protein forms P110L, P121L.
Identifiers: ClinVar variation 1424444 (VCV001424444.8), dbSNP rs1590150723, ClinGen allele CA379146854.
Genomic context (GRCh38, chr11:2,885,128, plus strand): 5'-ACCGGGACACTAGGCAGCTGCTCCGGCGCCTCCTCGAGGCCGTCGAGGGACTCAGCGGCC[G>A]GCTCGAGGGGCGGGCTGACAGCCACCGCGACCGCGACGGGCCGCGGCGCCAGCAGCAGGC-3'
Protein context (NP_001116102.1, residues 100-120): VAVAVSPPLE[Pro110Leu]AAESLDGLEE

ClinVar aggregate classification (germline): Uncertain significance (1 of 4 stars; one submission).

Conditions:
Beckwith-Wiedemann syndrome (BWS). Also called: Exomphalos macroglossia gigantism syndrome; EMG SYNDROME. Identifiers: Orphanet 116, MedGen C0004903, MONDO:0007534, OMIM 130650.

gnomAD v4.1: 4 of 1,475,280 alleles (0.00027%); highest among the groups gnomAD compares: South Asian, 0.0014%; no homozygotes.

Submission:

Labcorp Genetics (formerly Invitae), Labcorp
Classification: Uncertain significance for Beckwith-Wiedemann syndrome. Last evaluated: 2021-02-14. Review status: criteria provided, single submitter. Criteria: Invitae Variant Classification Sherloc (09022015). Collection method: clinical testing. Allele origin: germline.
Comment: In summary, the available evidence is currently insufficient to determine the role of this variant in disease. Therefore, it has been classified as a Variant of Uncertain Significance. Algorithms developed to predict the effect of missense changes on protein structure and function are either unavailable or do not agree on the potential impact of this missense change (SIFT: "Deleterious"; PolyPhen-2: "Probably Damaging"; Align-GVGD: "Class C0"). This variant has not been reported in the literature in individuals with CDKN1C-related conditions. The frequency data for this variant in the population databases is considered unreliable, as metrics indicate insufficient coverage at this position in the ExAC database. This sequence change replaces proline with leucine at codon 121 of the CDKN1C protein (p.Pro121Leu). The proline residue is moderately conserved and there is a moderate physicochemical difference between proline and leucine.